The following is an entry in ClinVar:

ClinVar aggregate classification (germline): Benign/Likely benign. Review status: criteria provided, multiple submitters, no conflicts (2 of 4 stars). 3 submissions from 3 submitters: Benign (1); Likely benign (2). Last evaluated 2025-01-29.

Conditions:
Fanconi anemia complementation group J. Also called: BRIP1-Related Fanconi Anemia. Identifiers: Orphanet 84, MedGen C1836860, MONDO:0012187, OMIM 609054.
Familial cancer of breast. Also called: BREAST CANCER, FAMILIAL; Hereditary breast cancer; hereditary breast carcinoma. Identifiers: Orphanet 227535, MedGen C0346153, MONDO:0016419, OMIM 114480. Disease mechanism: loss of function.
Hereditary cancer-predisposing syndrome. Also called: Tumor predisposition; Neoplastic Syndromes, Hereditary; Hereditary Cancer Syndrome; Hereditary neoplastic syndrome. Identifiers: Orphanet 140162, MedGen C0027672, MeSH D009386, MONDO:0015356.

Submissions (3):

Labcorp Genetics (formerly Invitae), Labcorp
Classification: Likely benign for Familial cancer of breast; Fanconi anemia complementation group J. Last evaluated: 2025-01-29. Review status: criteria provided, single submitter. Criteria: Invitae Variant Classification Sherloc (09022015). Collection method: clinical testing. Allele origin: germline.

Myriad Genetics, Inc.
Classification: Benign for Familial cancer of breast. Last evaluated: 2024-09-03. Review status: criteria provided, single submitter. Criteria: Myriad Autosomal Dominant, Autosomal Recessive and X-Linked Classification Criteria (2023). Collection method: clinical testing. Allele origin: unknown.
Comment: This variant is considered benign. This variant is a silent/synonymous amino acid change and it is not expected to impact splicing.

Ambry Genetics
Classification: Likely benign for Hereditary cancer-predisposing syndrome. Last evaluated: 2021-03-18. Review status: criteria provided, single submitter. Criteria: Ambry Variant Classification Scheme 2023. Collection method: clinical testing. Allele origin: germline.

NM_032043.3(BRIP1):c.2214A>G (p.Leu738=)

Gene: BRIP1 (BRCA1 interacting DNA helicase 1; minus strand). Cytogenetic location: 17q23.2.
Variant type: single nucleotide variant.
Coding change: c.2214A>G on transcript NM_032043.3 (MANE Select); coding-DNA position 2214, A replaced by G.
Protein change: p.Leu738=; no amino-acid change (leucine 738 retained).
Molecular consequence: synonymous variant.
Genome position (GRCh38, 1-based): chr17:61,744,475, T>C on the plus strand (A>G on the coding strand, the complement: BRIP1 is on the minus strand). VCF-style: chr17-61744475-T-C. GRCh37 (hg19) VCF-style: chr17-59821836-T-C.
Identifiers: ClinVar variation 1787808 (VCV001787808.6), dbSNP rs927200036, ClinGen allele CA292269228.